The following is an entry in ClinVar:

Single allele

Genes: AAGAB (alpha and gamma adaptin binding protein; minus strand), ABHD17C (abhydrolase domain containing 17C, depalmitoylase; plus strand), ABHD2 (abhydrolase domain containing 2, acylglycerol lipase; plus strand), ACAN (aggrecan; plus strand), ACSBG1 (acyl-CoA synthetase bubblegum family member 1; minus strand) and 518 more. Cytogenetic location: 15q13.2-26.3.
Variant type: Duplication.
Identifiers: ClinVar variation 560049 (VCV000560049.3).

ClinVar aggregate classification (germline): Pathogenic (1 of 4 stars; one submission).

Submission:

Geisinger Autism and Developmental Medicine Institute, Geisinger Health System
Classification: Pathogenic. Last evaluated: 2018-04-05. Review status: criteria provided, single submitter. Criteria: ACMG CNV Guidelines, 2011. Collection method: provider interpretation. Allele origin: de novo.
Comment: Renal ultrasound was normal. Notable facial features include a long, narrow face, upslanting palpebral fissures, infraorbital creases, bulbous nasal tip, anteverted nares, and mild retrognathia. These copy number variants are a result of a de novo rearrangement: 46,X,der(X)t(X;15)(p11.4;q11.2).